The following is an entry in ClinVar:

NM_001128178.3(NPHP1):c.771+65G>A

Gene: NPHP1 (nephrocystin 1; minus strand). Cytogenetic location: 2q13.
Variant type: single nucleotide variant.
Coding change: c.771+65G>A on transcript NM_001128178.3 (MANE Select); 65 bases into the intron after coding-DNA position 771, G replaced by A.
Molecular consequence: intron variant. On other transcripts: missense variant (2).
Genome position (GRCh38, 1-based): chr2:110,164,623, C>T on the plus strand (G>A on the coding strand, the complement: NPHP1 is on the minus strand). VCF-style: chr2-110164623-C-T. GRCh37 (hg19) VCF-style: chr2-110922200-C-T.
Other names: c.836G>A, p.Arg279Lys (NM_000272.5, NM_207181.4); c.585+65G>A (NM_001128179.3); c.771+65G>A (NM_001374256.1, NM_001374257.1); short protein forms R279K.
Identifiers: ClinVar variation 1359603 (VCV001359603.8), dbSNP rs2104559817, ClinGen allele CA348091819.

ClinVar aggregate classification (germline): Uncertain significance (1 of 4 stars; one submission).

Conditions:
Nephronophthisis. Also called: Juvenile Nephronophthisis. Identifiers: Orphanet 655, MedGen C0687120, MONDO:0019005, HP:0000090.

Submission:

Labcorp Genetics (formerly Invitae), Labcorp
Classification: Uncertain significance for Nephronophthisis. Last evaluated: 2021-04-12. Review status: criteria provided, single submitter. Criteria: Invitae Variant Classification Sherloc (09022015). Collection method: clinical testing. Allele origin: germline.
Comment: In summary, the available evidence is currently insufficient to determine the role of this variant in disease. Therefore, it has been classified as a Variant of Uncertain Significance. Algorithms developed to predict the effect of missense changes on protein structure and function (SIFT, PolyPhen-2, Align-GVGD) all suggest that this variant is likely to be tolerated, but these predictions have not been confirmed by published functional studies and their clinical significance is uncertain. This variant has not been reported in the literature in individuals with NPHP1-related conditions. This variant is not present in population databases (ExAC no frequency). This sequence change replaces arginine with lysine at codon 279 of the NPHP1 protein (p.Arg279Lys). The arginine residue is weakly conserved and there is a small physicochemical difference between arginine and lysine.